The following is an entry in ClinVar:

NM_138576.4(BCL11B):c.586A>G (p.Thr196Ala)

Gene: BCL11B (BCL11 transcription factor B; minus strand). Cytogenetic location: 14q32.2.
Variant type: single nucleotide variant.
Coding change: c.586A>G on transcript NM_138576.4 (MANE Select); coding-DNA position 586, A replaced by G.
Protein change: p.Thr196Ala; replaces threonine 196 with alanine.
Molecular consequence: missense variant. On other transcripts: intron variant (2).
Genome position (GRCh38, 1-based): chr14:99,231,399, T>C on the plus strand (A>G on the coding strand, the complement: BCL11B is on the minus strand). VCF-style: chr14-99231399-T-C. GRCh37 (hg19) VCF-style: chr14-99697736-T-C.
Other names: c.583A>G, p.Thr195Ala (NM_001282237.2); c.424+26072A>G (NM_001282238.2); c.427+26072A>G (NM_022898.3); short protein forms T195A, T196A.
Identifiers: ClinVar variation 3602856 (VCV003602856.1).

ClinVar aggregate classification (germline): Uncertain significance (1 of 4 stars; one submission).

Submission:

GeneDx
Classification: Uncertain significance. Last evaluated: 2024-08-07. Review status: criteria provided, single submitter. Criteria: GeneDx Variant Classification Process June 2021. Collection method: clinical testing. Allele origin: germline. Affected: yes.
Comment: Not observed at significant frequency in large population cohorts (gnomAD); In silico analysis indicates that this missense variant does not alter protein structure/function; Has not been previously published as pathogenic or benign to our knowledge